The following is an entry in ClinVar:

ClinVar aggregate classification (germline): Uncertain significance (1 of 4 stars; one submission).

Submission:

GeneDx
Classification: Uncertain significance. Last evaluated: 2022-09-12. Review status: criteria provided, single submitter. Criteria: GeneDx Variant Classification Process June 2021. Collection method: clinical testing. Allele origin: germline. Affected: yes.
Comment: Not observed at significant frequency in large population cohorts (gnomAD); In silico analysis supports that this missense variant does not alter protein structure/function; Has not been previously published as pathogenic or benign to our knowledge

NM_014233.4(UBTF):c.159G>C (p.Met53Ile)

Genes: ATXN7L3-AS1 (ATXN7L3 antisense RNA 1; plus strand), UBTF (upstream binding transcription factor; minus strand). Cytogenetic location: 17q21.31.
Variant type: single nucleotide variant.
Coding change: c.159G>C on transcript NM_014233.4 (MANE Select); coding-DNA position 159, G replaced by C.
Protein change: p.Met53Ile; replaces methionine 53 with isoleucine.
Molecular consequence: missense variant. On other transcripts: non-coding transcript variant (1).
Genome position (GRCh38, 1-based): chr17:44,216,604, C>G on the plus strand (G>C on the coding strand, the complement: UBTF is on the minus strand). VCF-style: chr17-44216604-C-G. GRCh37 (hg19) VCF-style: chr17-42293972-C-G.
Other names: c.159G>C, p.Met53Ile (NM_001076683.2, NM_001076684.3); short protein forms M53I.
Identifiers: ClinVar variation 2443657 (VCV002443657.1), dbSNP rs2509938488, ClinGen allele CA399769379.
Genomic context (GRCh38, chr17:44,216,604, plus strand): 5'-CACCCATTTGAGCTTGCACATGTCTCCAGAAAAGTCTTTAAATGCTACTTTTTCCCAGTC[C>G]ATGTGTGATTCGGTGGTTTTGAACTTGGAGCTGTCATTGGATGGAAGGTTGTTCTTCATG-3'
Protein context (NP_055048.1, residues 43-63): SSKFKTTESH[Met53Ile]DWEKVAFKDF